The following is an entry in ClinVar:

NM_001035.3(RYR2):c.1640A>T (p.Asn547Ile)

Gene: RYR2 (ryanodine receptor 2; plus strand). Cytogenetic location: 1q43.
Variant type: single nucleotide variant.
Coding change: c.1640A>T on transcript NM_001035.3 (MANE Select); coding-DNA position 1640, A replaced by T.
Protein change: p.Asn547Ile; replaces asparagine 547 with isoleucine.
Molecular consequence: missense variant.
Genome position (GRCh38, 1-based): chr1:237,469,119, A>T. VCF-style: chr1-237469119-A-T. GRCh37 (hg19) VCF-style: chr1-237632419-A-T.
Other names: p.Asn547Ile; short protein forms N547I.
Identifiers: ClinVar variation 3380782 (VCV003380782.1).

ClinVar aggregate classification (germline): Uncertain significance (1 of 4 stars; one submission).

Submission:

Mayo Clinic Laboratories, Mayo Clinic
Classification: Uncertain significance. Last evaluated: 2024-06-05. Review status: criteria provided, single submitter. Criteria: ACMG Guidelines, 2015. Collection method: clinical testing. Allele origin: germline. Observed: 1 variant allele.
Comment: PP2, PP3, PM2, PS4_supporting

Literature cited by the submitters: PubMed 35353122.